The following is an entry in ClinVar:

NM_005012.4(ROR1):c.368C>T (p.Thr123Ile)

Gene: ROR1 (receptor tyrosine kinase like orphan receptor 1; plus strand). Cytogenetic location: 1p31.3.
Variant type: single nucleotide variant.
Coding change: c.368C>T on transcript NM_005012.4 (MANE Select); coding-DNA position 368, C replaced by T.
Protein change: p.Thr123Ile; replaces threonine 123 with isoleucine.
Molecular consequence: missense variant.
Genome position (GRCh38, 1-based): chr1:64,049,895, C>T. VCF-style: chr1-64049895-C-T. GRCh37 (hg19) VCF-style: chr1-64515567-C-T.
Other names: c.368C>T, p.Thr123Ile (NM_001083592.2); short protein forms T123I.
Identifiers: ClinVar variation 1368600 (VCV001368600.8), dbSNP rs2100591296, ClinGen allele CA340712478.

ClinVar aggregate classification (germline): Uncertain significance (1 of 4 stars; one submission).

Submission:

Labcorp Genetics (formerly Invitae), Labcorp
Classification: Uncertain significance. Last evaluated: 2021-07-19. Review status: criteria provided, single submitter. Criteria: Invitae Variant Classification Sherloc (09022015). Collection method: clinical testing. Allele origin: germline.
Comment: In summary, the available evidence is currently insufficient to determine the role of this variant in disease. Therefore, it has been classified as a Variant of Uncertain Significance. Algorithms developed to predict the effect of missense changes on protein structure and function are either unavailable or do not agree on the potential impact of this missense change (SIFT: "Deleterious"; PolyPhen-2: "Probably Damaging"; Align-GVGD: "Class C0"). This variant has not been reported in the literature in individuals affected with ROR1-related conditions. This variant is not present in population databases (ExAC no frequency). This sequence change replaces threonine with isoleucine at codon 123 of the ROR1 protein (p.Thr123Ile). The threonine residue is highly conserved and there is a moderate physicochemical difference between threonine and isoleucine.